The following is an entry in ClinVar:

NM_182643.3(DLC1):c.137A>G (p.Lys46Arg)

Gene: DLC1 (DLC1 Rho GTPase activating protein; minus strand). Cytogenetic location: 8p22.
Variant type: single nucleotide variant.
Coding change: c.137A>G on transcript NM_182643.3 (MANE Select); coding-DNA position 137, A replaced by G.
Protein change: p.Lys46Arg; replaces lysine 46 with arginine.
Molecular consequence: missense variant. On other transcripts: 5 prime UTR variant (1).
Genome position (GRCh38, 1-based): chr8:13,499,935, T>C on the plus strand (A>G on the coding strand, the complement: DLC1 is on the minus strand). VCF-style: chr8-13499935-T-C. GRCh37 (hg19) VCF-style: chr8-13357444-T-C.
Other names: c.137A>G, p.Lys46Arg (NM_001348081.2, NM_001413124.1, NM_001413125.1 and 1 more transcripts); c.-1315A>G (NM_001348082.2); c.137A>G (NM_182643.2); short protein forms K46R.
Identifiers: ClinVar variation 2154880 (VCV002154880.6), dbSNP rs200125076, ClinGen allele CA4639578.

ClinVar aggregate classification (germline): Uncertain significance. Review status: criteria provided, multiple submitters, no conflicts (2 of 4 stars). 2 submissions from 2 submitters: Uncertain significance (2). Last evaluated 2023-03-02.

Allele frequency attached by ClinVar (database versions not stated): TOPMed 0.00005; gnomAD 0.00008; gnomAD exomes 0.00009; 1000 Genomes Project 30x 0.00031; ExAC 0.00036.
gnomAD v4.1: 147 of 1,614,110 alleles (0.0091%); highest among the groups gnomAD compares: Admixed American, 0.017%; no homozygotes.

Submissions (2):

Ambry Genetics
Classification: Uncertain significance. Last evaluated: 2023-03-02. Review status: criteria provided, single submitter. Criteria: Ambry Variant Classification Scheme 2023. Collection method: clinical testing. Allele origin: germline.

Labcorp Genetics (formerly Invitae), Labcorp
Classification: Uncertain significance. Last evaluated: 2022-08-20. Review status: criteria provided, single submitter. Criteria: Invitae Variant Classification Sherloc (09022015). Collection method: clinical testing. Allele origin: germline.
Comment: This variant is present in population databases (rs200125076, gnomAD 0.03%). In summary, the available evidence is currently insufficient to determine the role of this variant in disease. Therefore, it has been classified as a Variant of Uncertain Significance. Algorithms developed to predict the effect of missense changes on protein structure and function output the following: SIFT: "Tolerated"; PolyPhen-2: "Benign"; Align-GVGD: "Class C0". The arginine amino acid residue is found in multiple mammalian species, which suggests that this missense change does not adversely affect protein function. This variant has not been reported in the literature in individuals affected with DLC1-related conditions. This sequence change replaces lysine, which is basic and polar, with arginine, which is basic and polar, at codon 46 of the DLC1 protein (p.Lys46Arg).